The following is an entry in ClinVar:

ClinVar aggregate classification (germline): Benign/Likely benign. Review status: criteria provided, multiple submitters, no conflicts (2 of 4 stars). 2 submissions from 2 submitters: Benign (1); Likely benign (1). Last evaluated 2026-08-01.

Allele frequency attached by ClinVar (database versions not stated): gnomAD exomes 0.00276 and 0.00288; ExAC 0.00294; 1000 Genomes Project 0.00160; ESP Exome Variant Server 0.00162; TOPMed 0.00190; 1000 Genomes Project 30x 0.00203; gnomAD 0.00237.

Submissions (2):

CeGaT Center for Human Genetics Tuebingen
Classification: Likely benign. Last evaluated: 2026-08-01. Review status: criteria provided, single submitter. Criteria: CeGaT Center For Human Genetics Tuebingen Variant Classification Criteria Version 2. Collection method: clinical testing. Allele origin: germline. Affected: yes. Observed: 8 variant alleles.
Comment: KCNQ2: BP4, BS1

GeneDx
Classification: Benign. Last evaluated: 2021-01-18. Review status: criteria provided, single submitter. Criteria: GeneDx Variant Classification Process June 2021. Collection method: clinical testing. Allele origin: germline. Affected: yes.

NM_172107.4(KCNQ2):c.1763+47G>C

Gene: KCNQ2 (potassium voltage-gated channel subfamily Q member 2; minus strand). Cytogenetic location: 20q13.33.
Variant type: single nucleotide variant.
Coding change: c.1763+47G>C on transcript NM_172107.4 (MANE Select); 47 bases into the intron after coding-DNA position 1763, G replaced by C.
Molecular consequence: intron variant.
Genome position (GRCh38, 1-based): chr20:63,413,403, C>G on the plus strand (G>C on the coding strand, the complement: KCNQ2 is on the minus strand). VCF-style: chr20-63413403-C-G. GRCh37 (hg19) VCF-style: chr20-62044756-C-G.
Other names: c.1679+47G>C (NM_004518.6); c.1670+47G>C (NM_172108.5); c.1709+47G>C (NM_172106.3, NM_001382235.1).
Identifiers: ClinVar variation 1235616 (VCV001235616.27), dbSNP rs77658489, ClinGen allele CA9958307.
Genomic context (GRCh38, chr20:63,413,403, plus strand): 5'-GCCCCGCCCACACACCCCCTGCACTCCCACCATGGGCCACAGTGGGCTTTGTCCCAGAAG[C>G]CCACCCCGTTCTTGTCCCCTGCTGGACAGGCAGGCGGGGCTCTTGCCTGGACTGCAGGCT-3'